The following is an entry in ClinVar:

ClinVar aggregate classification (germline): Uncertain significance. Review status: criteria provided, multiple submitters, no conflicts (2 of 4 stars). 6 submissions from 6 submitters: Uncertain significance (6). Last evaluated 2025-05-23.

Conditions:
Episodic pain syndrome, familial, 2 (FEPS2). Identifiers: Orphanet 306577, MedGen C3809893, MONDO:0014246, OMIM 615551.
Brugada syndrome. Also called: Sudden unexplained nocturnal death syndrome; Sudden unexpected nocturnal death syndrome; Sudden Unexplained Death Syndrome; Sudden Unexplained Nocturnal Death Syndrome (SUNDS). Identifiers: Orphanet 130, MedGen C1142166, MONDO:0015263.
Cardiovascular phenotype. Identifiers: MedGen CN230736.

Allele frequency attached by ClinVar (database versions not stated): ExAC 0.00002; gnomAD exomes 0.00004 and 0.00005; gnomAD 0.00007; TOPMed 0.00008.
gnomAD v4.1: 79 of 1,613,982 alleles (0.0049%); highest among the groups gnomAD compares: South Asian, 0.0066%; no homozygotes.

Submissions (6):

GeneDx
Classification: Uncertain significance. Last evaluated: 2025-05-23. Review status: criteria provided, single submitter. Criteria: GeneDx Variant Classification Process June 2021. Collection method: clinical testing. Allele origin: germline.
Comment: In silico analysis supports that this missense variant has a deleterious effect on protein structure/function; Has not been previously published as pathogenic or benign to our knowledge

Labcorp Genetics (formerly Invitae), Labcorp
Classification: Uncertain significance for Brugada syndrome. Last evaluated: 2024-11-13. Review status: criteria provided, single submitter. Criteria: Invitae Variant Classification Sherloc (09022015). Collection method: clinical testing. Allele origin: germline.
Comment: This sequence change replaces glycine, which is neutral and non-polar, with arginine, which is basic and polar, at codon 1611 of the SCN10A protein (p.Gly1611Arg). This variant is present in population databases (rs777980971, gnomAD 0.007%). This variant has not been reported in the literature in individuals affected with SCN10A-related conditions. ClinVar contains an entry for this variant (Variation ID: 520456). Invitae Evidence Modeling of protein sequence and biophysical properties (such as structural, functional, and spatial information, amino acid conservation, physicochemical variation, residue mobility, and thermodynamic stability) indicates that this missense variant is expected to disrupt SCN10A protein function with a positive predictive value of 80%. In summary, the available evidence is currently insufficient to determine the role of this variant in disease. Therefore, it has been classified as a Variant of Uncertain Significance.

Ambry Genetics
Classification: Uncertain significance for Cardiovascular phenotype. Last evaluated: 2024-03-17. Review status: criteria provided, single submitter. Criteria: Ambry Variant Classification Scheme 2023. Collection method: clinical testing. Allele origin: germline.
Comment: The p.G1611R variant (also known as c.4831G>A), located in coding exon 27 of the SCN10A gene, results from a G to A substitution at nucleotide position 4831. The glycine at codon 1611 is replaced by arginine, an amino acid with dissimilar properties. This amino acid position is highly conserved in available vertebrate species. In addition, this alteration is predicted to be deleterious by in silico analysis. The evidence for this gene-disease relationship is limited; therefore, the clinical significance of this alteration is unclear.

Women's Health and Genetics/Laboratory Corporation of America, LabCorp
Classification: Uncertain significance. Last evaluated: 2024-03-05. Review status: criteria provided, single submitter. Criteria: LabCorp Variant Classification Summary - May 2015. Collection method: clinical testing. Allele origin: germline.
Comment: Variant summary: SCN10A c.4831G>A (p.Gly1611Arg) results in a non-conservative amino acid change in the encoded protein sequence. Five of five in-silico tools predict a damaging effect of the variant on protein function. The variant allele was found at a frequency of 3.6e-05 in 251252 control chromosomes (gnomAD). The available data on variant occurrences in the general population are insufficient to allow any conclusion about variant significance. To our knowledge, no occurrence of c.4831G>A in individuals affected with SCN10A-Related Disorders and no experimental evidence demonstrating its impact on protein function have been reported. ClinVar contains an entry for this variant (Variation ID: 520456). Based on the evidence outlined above, the variant was classified as uncertain significance.

Fulgent Genetics
Classification: Uncertain significance for Episodic pain syndrome, familial, 2. Last evaluated: 2022-02-18. Review status: criteria provided, single submitter. Criteria: ACMG Guidelines, 2015. Collection method: clinical testing. Allele origin: unknown.

Molecular Diagnostic Laboratory for Inherited Cardiovascular Disease, Montreal Heart Institute
Classification: Uncertain significance. Last evaluated: 2017-05-24. Review status: criteria provided, single submitter. Criteria: ACMG Guidelines, 2015. Collection method: clinical testing. Allele origin: germline. Affected: yes.

NM_006514.4(SCN10A):c.4831G>A (p.Gly1611Arg)

Gene: SCN10A (sodium voltage-gated channel alpha subunit 10; minus strand). Cytogenetic location: 3p22.2.
Variant type: single nucleotide variant.
Coding change: c.4831G>A on transcript NM_006514.4 (MANE Select); coding-DNA position 4831, G replaced by A.
Protein change: p.Gly1611Arg; replaces glycine 1611 with arginine.
Molecular consequence: missense variant.
Genome position (GRCh38, 1-based): chr3:38,698,389, C>T on the plus strand (G>A on the coding strand, the complement: SCN10A is on the minus strand). VCF-style: chr3-38698389-C-T. GRCh37 (hg19) VCF-style: chr3-38739880-C-T.
Other names: c.4828G>A, p.Gly1610Arg (NM_001293306.2); c.4537G>A, p.Gly1513Arg (NM_001293307.2); short protein forms G1611R, G1513R, G1610R.
Identifiers: ClinVar variation 520456 (VCV000520456.18), dbSNP rs777980971, ClinGen allele CA2319800.